The following is an entry in ClinVar:

NM_177438.3(DICER1):c.1635C>T (p.Ser545=)

Gene: DICER1 (dicer 1, ribonuclease III; minus strand). Cytogenetic location: 14q32.13.
Variant type: single nucleotide variant.
Coding change: c.1635C>T on transcript NM_177438.3 (MANE Select); coding-DNA position 1635, C replaced by T.
Protein change: p.Ser545=; no amino-acid change (serine 545 retained).
Molecular consequence: synonymous variant.
Genome position (GRCh38, 1-based): chr14:95,116,570, G>A on the plus strand (C>T on the coding strand, the complement: DICER1 is on the minus strand). VCF-style: chr14-95116570-G-A. GRCh37 (hg19) VCF-style: chr14-95582907-G-A.
Other names: c.1635C>T, p.Ser545= (NM_001195573.1, NM_001271282.3, NM_001291628.2 and 1 more transcripts).
Identifiers: ClinVar variation 794155 (VCV000794155.15), dbSNP rs1595411224, ClinGen allele CA487845178.
Genomic context (GRCh38, chr14:95,116,570, plus strand): 5'-ATCCGCTAACATTATATAATTAGAGATGGGTGCCCTTGCTCTTCCTTTAGATTGAACATA[G>A]GATCGATATTCTGTGGGCAAATCAAAACGAACCACCAAGTTGCATTTTGGTATATCAACA-3'
Protein context (NP_803187.1, residues 535-555): VRFDLPTEYR[Ser545=]YVQSKGRARA

ClinVar aggregate classification (germline): Benign/Likely benign. Review status: criteria provided, multiple submitters, no conflicts (2 of 4 stars). 3 submissions from 3 submitters: Benign (1); Likely benign (2). Last evaluated 2026-08-19.

Conditions:
Hereditary cancer-predisposing syndrome. Also called: Hereditary neoplastic syndrome; Neoplastic Syndromes, Hereditary; Tumor predisposition; Hereditary Cancer Syndrome. Identifiers: Orphanet 140162, MedGen C0027672, MeSH D009386, MONDO:0015356.
DICER1-related tumor predisposition. Also called: DICER1 syndrome; DICER1-related pleuropulmonary blastoma cancer predisposition syndrome. Identifiers: Orphanet 284343, MedGen C3839822, MONDO:0100216.

Allele frequency attached by ClinVar (database versions not stated): gnomAD exomes below 0.00001.
gnomAD v4.1: 1 of 1,613,818 alleles (0.000062%); highest among the groups gnomAD compares: Non-Finnish European, 0.000085%; no homozygotes.

Submissions (3):

Myriad Genetics, Inc.
Classification: Benign for DICER1-related tumor predisposition. Last evaluated: 2026-08-19. Review status: criteria provided, single submitter. Criteria: Myriad Autosomal Dominant, Autosomal Recessive and X-Linked Classification Criteria (2023). Collection method: clinical testing. Allele origin: unknown.
Comment: This variant is considered benign. This variant is a silent/synonymous amino acid change and it is not expected to impact splicing.

Labcorp Genetics (formerly Invitae), Labcorp
Classification: Likely benign for DICER1-related tumor predisposition. Last evaluated: 2025-05-25. Review status: criteria provided, single submitter. Criteria: Invitae Variant Classification Sherloc (09022015). Collection method: clinical testing. Allele origin: germline.

Ambry Genetics
Classification: Likely benign for Hereditary cancer-predisposing syndrome. Last evaluated: 2022-01-15. Review status: criteria provided, single submitter. Criteria: Ambry Variant Classification Scheme 2023. Collection method: clinical testing. Allele origin: germline.